The following is an entry in ClinVar:

ClinVar aggregate classification (germline): Uncertain significance (1 of 4 stars; one submission).

Conditions:
Type A2 brachydactyly (BDA2). Also called: MOHR-WRIEDT TYPE BRACHYDACTYLY; Brachymesophalangy type 2; BRACHYMESOPHALANGY II. Identifiers: Orphanet 93396, MedGen C1832702, MONDO:0007216, OMIM 112600, HP:0009372.
Acromesomelic dysplasia 3 (AMD3). Also called: CHONDRODYSPLASIA, ACROMESOMELIC, WITH OR WITHOUT GENITAL ANOMALIES; Acromesomelic dysplasia, Demirhan type. Identifiers: MedGen C4225404, MONDO:0012274, OMIM 609441.

gnomAD v4.1: 2 of 1,611,868 alleles (0.00012%); highest among the groups gnomAD compares: African/African-American, 0.0013%; no homozygotes.

Submission:

Labcorp Genetics (formerly Invitae), Labcorp
Classification: Uncertain significance for Type A2 brachydactyly; Acromesomelic dysplasia 3. Last evaluated: 2024-02-14. Review status: criteria provided, single submitter. Criteria: Invitae Variant Classification Sherloc (09022015). Collection method: clinical testing. Allele origin: germline.
Comment: This sequence change replaces arginine, which is basic and polar, with leucine, which is neutral and non-polar, at codon 456 of the BMPR1B protein (p.Arg456Leu). The frequency data for this variant in the population databases is considered unreliable, as metrics indicate poor data quality at this position in the gnomAD database. This variant has not been reported in the literature in individuals affected with BMPR1B-related conditions. Advanced modeling of protein sequence and biophysical properties (such as structural, functional, and spatial information, amino acid conservation, physicochemical variation, residue mobility, and thermodynamic stability) has been performed at Invitae for this missense variant, however the output from this modeling did not meet the statistical confidence thresholds required to predict the impact of this variant on BMPR1B protein function. In summary, the available evidence is currently insufficient to determine the role of this variant in disease. Therefore, it has been classified as a Variant of Uncertain Significance.

NM_001203.3(BMPR1B):c.1367G>T (p.Arg456Leu)

Gene: BMPR1B (bone morphogenetic protein receptor type 1B; plus strand). Cytogenetic location: 4q22.3.
Variant type: single nucleotide variant.
Coding change: c.1367G>T on transcript NM_001203.3 (MANE Select); coding-DNA position 1367, G replaced by T.
Protein change: p.Arg456Leu; replaces arginine 456 with leucine.
Molecular consequence: missense variant.
Genome position (GRCh38, 1-based): chr4:95,152,757, G>T. VCF-style: chr4-95152757-G-T. GRCh37 (hg19) VCF-style: chr4-96073908-G-T.
Other names: c.1367G>T, p.Arg456Leu (NM_001256792.2, NM_001256794.1); c.1457G>T, p.Arg486Leu (NM_001256793.2); short protein forms R456L, R486L.
Identifiers: ClinVar variation 2926975 (VCV002926975.3), dbSNP rs140047318, ClinGen allele CA3015230.